The following is an entry in ClinVar:

ClinVar aggregate classification (germline): Pathogenic (1 of 4 stars; one submission).

Conditions:
Neonatal encephalomyopathy-cardiomyopathy-respiratory distress syndrome. Also called: Coenzyme Q10 deficiency, primary, 7. Identifiers: Orphanet 457185, MedGen C5568562, MONDO:0014562, OMIM 616276.

Allele frequency attached by ClinVar (database versions not stated): TOPMed below 0.00001.

Submission:

Labcorp Genetics (formerly Invitae), Labcorp
Classification: Pathogenic for Neonatal encephalomyopathy-cardiomyopathy-respiratory distress syndrome. Last evaluated: 2024-10-15. Review status: criteria provided, single submitter. Criteria: Invitae Variant Classification Sherloc (09022015). Collection method: clinical testing. Allele origin: germline.
Comment: This sequence change creates a premature translational stop signal (p.Glu75*) in the COQ4 gene. It is expected to result in an absent or disrupted protein product. Loss-of-function variants in COQ4 are known to be pathogenic (PMID: 25658047). This variant is not present in population databases (gnomAD no frequency). This variant has not been reported in the literature in individuals affected with COQ4-related conditions. ClinVar contains an entry for this variant (Variation ID: 2099803). Algorithms developed to predict the effect of sequence changes on RNA splicing suggest that this variant may disrupt the consensus splice site. For these reasons, this variant has been classified as Pathogenic.

Literature cited by the submitters: PubMed 25658047.

NM_016035.5(COQ4):c.223G>T (p.Glu75Ter)

Gene: COQ4 (coenzyme Q4; plus strand). Cytogenetic location: 9q34.11.
Variant type: single nucleotide variant.
Coding change: c.223G>T on transcript NM_016035.5 (MANE Select); coding-DNA position 223, G replaced by T.
Protein change: p.Glu75Ter; replaces glutamic acid 75 with a stop codon.
Molecular consequence: nonsense. On other transcripts: intron variant (1).
Genome position (GRCh38, 1-based): chr9:128,325,163, G>T. VCF-style: chr9-128325163-G-T. GRCh37 (hg19) VCF-style: chr9-131087442-G-T.
Other names: c.203-616G>T (NM_001305942.2); short protein forms E75*.
Identifiers: ClinVar variation 2099803 (VCV002099803.4), dbSNP rs1352310924, ClinGen allele CA375020268.
Genomic context (GRCh38, chr9:128,325,163, plus strand): 5'-AGATGACATCCCCCATTTGTGCCCGTTTCTGTCCTTTCAGACATGGTCGCAGTTCTAGGG[G>T]AGACCACAGGACACCGCACCCTGAAGGTCCTCAGGGACCAGATGAGGAGGGATCCAGAGG-3'